The following is an entry in ClinVar:

ClinVar aggregate classification (germline): Pathogenic/Likely pathogenic. Review status: criteria provided, multiple submitters, no conflicts (2 of 4 stars). 3 submissions from 3 submitters: Pathogenic (1); Likely pathogenic (2). Last evaluated 2026-01-27.

Conditions:
Multiple sulfatase deficiency (MSD). Also called: Mucosulfatidosis; Multiple Sulfatase Deficiency Disease; Sulfatidosis, Juvenile, Austin Type. Identifiers: Orphanet 585, MedGen C0268263, MONDO:0010088, OMIM 272200.

Allele frequency attached by ClinVar (database versions not stated): gnomAD exomes below 0.00001.

Submissions (3):

Natera, Inc.
Classification: Likely pathogenic for Multiple sulfatase deficiency. Last evaluated: 2026-01-27. Review status: criteria provided, single submitter. Criteria: Natera Variant Classification Schema (03/2026). Collection method: clinical testing. Allele origin: germline.
Comment: The c.896G>A variant in SUMF1 is a nonsense variant predicted to introduce a stop codon at amino acid 299. This variant is expected to result in nonsense mediated decay, truncation, or a dysfunctional protein product. This variant is rare in the general population with a frequency below the threshold expected for the associated phenotype(s). Given the available evidence, this variant is classified as Likely Pathogenic.

Fulgent Genetics
Classification: Likely pathogenic for Multiple sulfatase deficiency. Last evaluated: 2024-03-05. Review status: criteria provided, single submitter. Criteria: ACMG Guidelines, 2015. Collection method: clinical testing. Allele origin: germline.

Labcorp Genetics (formerly Invitae), Labcorp
Classification: Pathogenic for Multiple sulfatase deficiency. Last evaluated: 2023-11-30. Review status: criteria provided, single submitter. Criteria: Invitae Variant Classification Sherloc (09022015). Collection method: clinical testing. Allele origin: germline.
Comment: This sequence change creates a premature translational stop signal (p.Trp299*) in the SUMF1 gene. It is expected to result in an absent or disrupted protein product. Loss-of-function variants in SUMF1 are known to be pathogenic (PMID: 12757705, 12757706, 25885655). This variant is not present in population databases (gnomAD no frequency). This variant has not been reported in the literature in individuals affected with SUMF1-related conditions. ClinVar contains an entry for this variant (Variation ID: 1373777). For these reasons, this variant has been classified as Pathogenic.

Literature cited by the submitters: PubMed 12757705 (cited by Labcorp Genetics (formerly Invitae), Labcorp); PubMed 12757706 (cited by Labcorp Genetics (formerly Invitae), Labcorp); PubMed 25885655 (cited by Labcorp Genetics (formerly Invitae), Labcorp).

NM_182760.4(SUMF1):c.896G>A (p.Trp299Ter)

Gene: SUMF1 (sulfatase modifying factor 1; minus strand). Cytogenetic location: 3p26.1.
Variant type: single nucleotide variant.
Coding change: c.896G>A on transcript NM_182760.4 (MANE Select); coding-DNA position 896, G replaced by A.
Protein change: p.Trp299Ter; replaces tryptophan 299 with a stop codon.
Molecular consequence: nonsense.
Genome position (GRCh38, 1-based): chr3:4,410,923, C>T on the plus strand (G>A on the coding strand, the complement: SUMF1 is on the minus strand). VCF-style: chr3-4410923-C-T. GRCh37 (hg19) VCF-style: chr3-4452607-C-T.
Other names: c.821G>A, p.Trp274Ter (NM_001164674.2); c.896G>A, p.Trp299Ter (NM_001164675.2); c.896G>A (NM_182760.3); short protein forms W274*, W299*.
Identifiers: ClinVar variation 1373777 (VCV001373777.9), dbSNP rs1559281733, ClinGen allele CA351631340.